The following is an entry in ClinVar:

ClinVar aggregate classification (germline): Uncertain significance (1 of 4 stars; one submission).

Conditions:
POLD1-related polyposis and colorectal cancer syndrome (CRCS10). Also called: Colorectal cancer 10; COLORECTAL CANCER, SUSCEPTIBILITY TO, ON CHROMOSOME 19q; Colorectal cancer, susceptibility to, 10. Identifiers: Orphanet 220460, MedGen C2675481, MONDO:0012953, OMIM 612591.

Submission:

Labcorp Genetics (formerly Invitae), Labcorp
Classification: Uncertain significance for POLD1-related polyposis and colorectal cancer syndrome. Last evaluated: 2024-09-22. Review status: criteria provided, single submitter. Criteria: Invitae Variant Classification Sherloc (09022015). Collection method: clinical testing. Allele origin: germline.
Comment: This variant, c.169_171dup, results in the insertion of 1 amino acid(s) of the POLD1 protein (p.Glu57dup), but otherwise preserves the integrity of the reading frame. This variant is not present in population databases (gnomAD no frequency). This variant has not been reported in the literature in individuals affected with POLD1-related conditions. Experimental studies and prediction algorithms are not available or were not evaluated, and the functional significance of this variant is currently unknown. In summary, the available evidence is currently insufficient to determine the role of this variant in disease. Therefore, it has been classified as a Variant of Uncertain Significance.

NM_002691.4(POLD1):c.160GAG[5] (p.Glu57dup)

Gene: POLD1 (DNA polymerase delta 1, catalytic subunit; plus strand). Cytogenetic location: 19q13.33.
Variant type: Microsatellite.
Coding change: c.160GAG[5] on transcript NM_002691.4 (MANE Select); five copies in a row of the 3-base unit GAG starting at c.160; the reference has four copies in a row; one copy, 3 bases duplicated.
Protein change: p.Glu57dup; duplicates glutamic acid 57.
Molecular consequence: inframe insertion. On other transcripts: non-coding transcript variant (1).
Genome position (GRCh38, 1-based): chr19:50,399,020-50,399,022, GAG duplicated; duplicating any 3 consecutive bases within chr19:50,399,009-50,399,022 gives the same sequence; the position shown is the placement nearest the transcript's 3' end. VCF-style (leftmost placement, unchanged base first): chr19-50399008-C-CAGG. GRCh37 (hg19) VCF-style: chr19-50902265-C-CAGG.
Other names: c.160GAG[5], p.Glu57dup (NM_001256849.1, NM_001308632.1).
Identifiers: ClinVar variation 1482296 (VCV001482296.8), dbSNP rs766482335, ClinGen allele CA996792572.